The following is an entry in ClinVar:

NM_153605.4(CRYBG3):c.5719A>G (p.Thr1907Ala)

Gene: CRYBG3 (crystallin beta-gamma domain containing 3; plus strand). Cytogenetic location: 3q11.2.
Variant type: single nucleotide variant.
Coding change: c.5719A>G on transcript NM_153605.4 (MANE Select); coding-DNA position 5719, A replaced by G.
Protein change: p.Thr1907Ala; replaces threonine 1907 with alanine.
Molecular consequence: missense variant.
Genome position (GRCh38, 1-based): chr3:97,876,913, A>G. VCF-style: chr3-97876913-A-G. GRCh37 (hg19) VCF-style: chr3-97595757-A-G.
Other names: short protein forms T1907A.
Identifiers: ClinVar variation 3387997 (VCV003387997.14).

ClinVar aggregate classification (germline): Likely benign (1 of 4 stars; one submission).

Submission:

CeGaT Center for Human Genetics Tuebingen
Classification: Likely benign. Last evaluated: 2024-10-01. Review status: criteria provided, single submitter. Criteria: CeGaT Center For Human Genetics Tuebingen Variant Classification Criteria Version 2. Collection method: clinical testing. Allele origin: germline. Affected: yes. Observed: 1 variant allele.
Comment: CRYBG3: BS2